The following is an entry in ClinVar:

NM_004304.5(ALK):c.2888dup (p.Ile964fs)

Gene: ALK (ALK receptor tyrosine kinase; minus strand). Cytogenetic location: 2p23.2.
Variant type: Duplication.
Coding change: c.2888dup on transcript NM_004304.5 (MANE Select); coding-DNA position 2888, one base duplicated (G; older notation c.2888dupG).
Protein change: p.Ile964fs; shifts the reading frame from isoleucine 964.
Molecular consequence: frameshift variant.
Genome position (GRCh38, 1-based): chr2:29,227,600, C duplicated on the plus strand (G on the coding strand, the reverse complement: ALK is on the minus strand); the first of 3 consecutive C bases (chr2:29,227,600-29,227,602); duplicating any one gives the same sequence. VCF-style (leftmost placement, unchanged base first): chr2-29227599-G-GC. GRCh37 (hg19) VCF-style: chr2-29450465-G-GC.
Other names: short protein forms I964fs.
Identifiers: ClinVar variation 2707110 (VCV002707110.3), dbSNP rs2465973444, ClinGen allele CA2697547963.

ClinVar aggregate classification (germline): Uncertain significance (1 of 4 stars; one submission).

Conditions:
Neuroblastoma, susceptibility to, 3. Also called: ALK-Related Neuroblastic Tumor Susceptibility. Identifiers: Orphanet 635, MedGen C2751681, MONDO:0013083, OMIM 613014.

Submission:

Labcorp Genetics (formerly Invitae), Labcorp
Classification: Uncertain significance for Neuroblastoma, susceptibility to, 3. Last evaluated: 2024-01-03. Review status: criteria provided, single submitter. Criteria: Invitae Variant Classification Sherloc (09022015). Collection method: clinical testing. Allele origin: germline.
Comment: This sequence change creates a premature translational stop signal (p.Ile964Hisfs*19) in the ALK gene. It is expected to result in an absent or disrupted protein product. However, the current clinical and genetic evidence is not sufficient to establish whether loss-of-function variants in ALK cause disease. This variant is not present in population databases (gnomAD no frequency). This variant has not been reported in the literature in individuals affected with ALK-related conditions. Algorithms developed to predict the effect of sequence changes on RNA splicing suggest that this variant may disrupt the consensus splice site. In summary, the available evidence is currently insufficient to determine the role of this variant in disease. Therefore, it has been classified as a Variant of Uncertain Significance.